The following is an entry in ClinVar:

ClinVar aggregate classification (germline): Likely benign (1 of 4 stars; one submission).

Conditions:
Breast-ovarian cancer, familial, susceptibility to, 2 (BROVCA2). Also called: BRCA2 Hereditary Breast and Ovarian Cancer. Identifiers: Orphanet 145, MedGen C2675520, MONDO:0012933, OMIM 612555. Disease mechanism: loss of function.

gnomAD v4.1: 1 of 1,611,710 alleles (0.000062%); highest among the groups gnomAD compares: South Asian, 0.0011%; no homozygotes.

Submission:

Cancer Bioinformatics and Tumour Evolution Laboratory, Monash University
Classification: Likely benign for Breast-ovarian cancer, familial, susceptibility to, 2. Last evaluated: 2026-05-01. Review status: criteria provided, single submitter. Criteria: ClinGen BRCA1 and BRCA2 Guidelines, 2024. Collection method: curation. Allele origin: germline. Inheritance: Autosomal dominant inheritance.
Comment: Missense variant outside of a functional domain with no splice impact. BRCA1 and BRCA2 VCEP guidelines recommend application of BP1_Strong (PMID: 39142283) PMID: 39281752 - A large scale study to determine the case-control LR of BRCA1 and BRCA2 variants. The data was consolidated in the ccLR browser. This variant was found in the browser with a LR of 0.253610169 which is in the benign supporting range (0.23-0.48) according to the BRCA1 and BRCA2 VCEP. Hence, BP5 is applied.

Literature cited by the submitters: PubMed 39281752.

NM_000059.4(BRCA2):c.1345A>G (p.Ile449Val)

Gene: BRCA2 (BRCA2 DNA repair associated; plus strand). Cytogenetic location: 13q13.1.
Variant type: single nucleotide variant.
Coding change: c.1345A>G on transcript NM_000059.4 (MANE Select); coding-DNA position 1345, A replaced by G.
Protein change: p.Ile449Val; replaces isoleucine 449 with valine.
Molecular consequence: missense variant. On other transcripts: non-coding transcript variant (1), intron variant (1).
Genome position (GRCh38, 1-based): chr13:32,332,823, A>G. VCF-style: chr13-32332823-A-G. GRCh37 (hg19) VCF-style: chr13-32906960-A-G.
Other names: c.1345A>G, p.Ile449Val (NM_001406720.1, NM_001406721.1, NM_001432077.1 and 1 more transcripts); c.424+1793A>G (NM_001406722.1); short protein forms I449V.
Identifiers: ClinVar variation 4856458 (VCV004856458.1).